The following is an entry in ClinVar:

ClinVar aggregate classification (germline): Benign/Likely benign. Review status: criteria provided, multiple submitters, no conflicts (2 of 4 stars). 10 submissions from 10 submitters: Benign (6); Likely benign (4). Last evaluated 2026-05-21.

Conditions:
Cardiovascular phenotype. Identifiers: MedGen CN230736.
Hereditary cancer-predisposing syndrome. Also called: Tumor predisposition; Hereditary Cancer Syndrome; Neoplastic Syndromes, Hereditary; Hereditary neoplastic syndrome. Identifiers: Orphanet 140162, MedGen C0027672, MeSH D009386, MONDO:0015356.
Neurofibromatosis, type 1 (NF1). Also called: NEUROFIBROMATOSIS, TYPE I, SOMATIC; VON RECKLINGHAUSEN DISEASE; Neurofibromatosis, type I; Peripheral type neurofibromatosis. Identifiers: Orphanet 636, MedGen C0027831, MONDO:0018975, OMIM 162200. Disease mechanism: loss of function.

Submissions (10):

Myriad Genetics, Inc.
Classification: Benign for Neurofibromatosis, type 1. Last evaluated: 2026-05-21. Review status: criteria provided, single submitter. Criteria: Myriad Autosomal Dominant, Autosomal Recessive and X-Linked Classification Criteria (2023). Collection method: clinical testing. Allele origin: unknown.
Comment: This variant is considered benign. This variant is intronic and is not expected to impact mRNA splicing. This variant has been observed at a population frequency that is significantly greater than expected given the associated disease prevalence and penetrance.

CeGaT Center for Human Genetics Tuebingen
Classification: Likely benign. Last evaluated: 2026-05-01. Review status: criteria provided, single submitter. Criteria: CeGaT Center For Human Genetics Tuebingen Variant Classification Criteria Version 2. Collection method: clinical testing. Allele origin: germline. Affected: yes. Observed: 5 variant alleles.
Comment: NF1: BS1

Labcorp Genetics (formerly Invitae), Labcorp
Classification: Benign for Neurofibromatosis, type 1. Last evaluated: 2026-02-03. Review status: criteria provided, single submitter. Criteria: Invitae Variant Classification Sherloc (09022015). Collection method: clinical testing. Allele origin: germline.

ARUP Laboratories, Molecular Genetics and Genomics, ARUP Laboratories
Classification: Benign. Last evaluated: 2025-05-01. Review status: criteria provided, single submitter. Criteria: ARUP Molecular Germline Variant Investigation Process 2024. Collection method: clinical testing. Allele origin: germline.

Blueprint Genetics
Classification: Likely benign. Last evaluated: 2024-09-18. Review status: criteria provided, single submitter. Criteria: ACMG Guidelines, 2015. Collection method: clinical testing. Allele origin: germline.

Genome-Nilou Lab
Classification: Benign for Neurofibromatosis, type 1. Last evaluated: 2022-03-15. Review status: criteria provided, single submitter. Criteria: ACMG Guidelines, 2015. Collection method: clinical testing. Allele origin: germline. Affected: no.

Women's Health and Genetics/Laboratory Corporation of America, LabCorp
Classification: Benign. Last evaluated: 2020-03-23. Review status: criteria provided, single submitter. Criteria: LabCorp Variant Classification Summary - May 2015. Collection method: clinical testing. Allele origin: germline.
Comment: Variant summary: NF1 c.6859-14_6859-13delAT alters a non-conserved nucleotide located close to a canonical splice site and therefore could affect mRNA splicing, leading to a significantly altered protein sequence. 4/4 computational tools predict no significant impact on normal splicing. However, these predictions have yet to be confirmed by functional studies. The variant allele was found at a frequency of 0.00075 in 282828 control chromosomes, predominantly at a frequency of 0.0077 within the African or African-American subpopulation in the gnomAD database, including 1 homozygotes. The observed variant frequency within African or African-American control individuals in the gnomAD database is approximately 3080 fold of the estimated maximal expected allele frequency for a pathogenic variant in NF1 causing Noonan Syndrome and Related Conditions phenotype (2.5e-06), strongly suggesting that the variant is a benign polymorphism found primarily in populations of African or African-American origin. To our knowledge, no occurrence of c.6859-14_6859-13delAT in individuals affected with Noonan Syndrome and Related Conditions and no experimental evidence demonstrating its impact on protein function have been reported. One ClinVar submitter (evaluation after 2014) cites the variant as likely benign. Based on the evidence outlined above, the variant was classified as benign.

GeneDx
Classification: Likely benign. Last evaluated: 2018-07-05. Review status: criteria provided, single submitter. Criteria: GeneDx Variant Classification (06012015). Collection method: clinical testing. Allele origin: germline. Affected: yes.
Comment: This variant is considered likely benign or benign based on one or more of the following criteria: it is a conservative change, it occurs at a poorly conserved position in the protein, it is predicted to be benign by multiple in silico algorithms, and/or has population frequency not consistent with disease.

Ambry Genetics
Classification: Likely benign for Cardiovascular phenotype; Hereditary cancer-predisposing syndrome. Last evaluated: 2014-11-13. Review status: criteria provided, single submitter. Criteria: Ambry Variant Classification Scheme 2023. Collection method: clinical testing. Allele origin: germline.

PreventionGenetics, part of Exact Sciences
Classification: Benign. Review status: criteria provided, single submitter. Criteria: ACMG Guidelines, 2015. Collection method: clinical testing. Allele origin: germline.

Literature cited by the submitters: PubMed 10678181 (cited by Women's Health and Genetics/Laboratory Corporation of America, LabCorp); PubMed 23460398 (cited by Women's Health and Genetics/Laboratory Corporation of America, LabCorp); PubMed 27069254 (cited by Women's Health and Genetics/Laboratory Corporation of America, LabCorp).

NM_001042492.3(NF1):c.6922-14_6922-13del

Gene: NF1 (neurofibromin 1; plus strand). Cytogenetic location: 17q11.2.
Variant type: Microsatellite.
Coding change: c.6922-14_6922-13del on transcript NM_001042492.3 (MANE Select); 14 bases into the intron before coding-DNA position 6922 through 13 bases into the intron before coding-DNA position 6922, 2 bases deleted (AT; older notation c.6922-14_6922-13delAT).
Molecular consequence: intron variant.
Genome position (GRCh38, 1-based): chr17:31,340,491-31,340,492, AT deleted; deleting any 2 consecutive bases within chr17:31,340,489-31,340,492 gives the same sequence; the c. name uses the placement nearest the transcript's 3' end. VCF-style (leftmost placement, unchanged base first): chr17-31340488-CAT-C. GRCh37 (hg19) VCF-style: chr17-29667506-CAT-C.
Other names: c.6859-14_6859-13del (NM_000267.4); c.6922-14_6922-13delAT (NM_001042492.2); c.6859-14_6859-13delAT (NM_000267.3).
Identifiers: ClinVar variation 257299 (VCV000257299.51), dbSNP rs146785663, ClinGen allele CA8487461.